The following is an entry in ClinVar:

NM_144666.3(DNHD1):c.8573T>A (p.Leu2858Ter)

Gene: DNHD1 (dynein heavy chain domain 1; plus strand). Cytogenetic location: 11p15.4.
Variant type: single nucleotide variant.
Coding change: c.8573T>A on transcript NM_144666.3 (MANE Select); coding-DNA position 8573, T replaced by A.
Protein change: p.Leu2858Ter; replaces leucine 2858 with a stop codon.
Molecular consequence: nonsense.
Genome position (GRCh38, 1-based): chr11:6,557,868, T>A. VCF-style: chr11-6557868-T-A. GRCh37 (hg19) VCF-style: chr11-6579098-T-A.
Other names: short protein forms L2858*.
Identifiers: ClinVar variation 3342538 (VCV003342538.1).

ClinVar aggregate classification (germline): Uncertain significance (1 of 4 stars; one submission).

Submission:

GeneDx
Classification: Uncertain significance. Last evaluated: 2022-06-15. Review status: criteria provided, single submitter. Criteria: GeneDx Variant Classification Process June 2021. Collection method: clinical testing. Allele origin: germline. Affected: yes.
Comment: Not observed at significant frequency in large population cohorts (gnomAD); Nonsense variant predicted to result in protein truncation or nonsense mediated decay in a gene or region of a gene for which loss of function is not a well-established mechanism of disease; Has not been previously published as pathogenic or benign to our knowledge; Variants in candidate genes are classified as variants of uncertain significance in accordance with ACMG guidelines (Richards et al., 2015)